The following is an entry in ClinVar:

NM_198428.3(BBS9):c.1562G>A (p.Arg521Gln)

Gene: BBS9 (Bardet-Biedl syndrome 9; plus strand). Cytogenetic location: 7p14.3.
Variant type: single nucleotide variant.
Coding change: c.1562G>A on transcript NM_198428.3 (MANE Select); coding-DNA position 1562, G replaced by A.
Protein change: p.Arg521Gln; replaces arginine 521 with glutamine.
Molecular consequence: missense variant. On other transcripts: non-coding transcript variant (3).
Genome position (GRCh38, 1-based): chr7:33,357,864, G>A. VCF-style: chr7-33357864-G-A. GRCh37 (hg19) VCF-style: chr7-33397476-G-A.
Other names: c.1457G>A, p.Arg486Gln (NM_001033604.2); c.1547G>A, p.Arg516Gln (NM_001033605.2); c.1562G>A, p.Arg521Gln (NM_001348036.1, NM_001348041.4, NM_001348043.3 and 1 more transcripts); c.1196G>A, p.Arg399Gln (NM_001348037.3, NM_001348045.3, NM_001348046.3); c.1289G>A, p.Arg430Gln (NM_001348038.3); c.1184G>A, p.Arg395Gln (NM_001348039.3); c.1442G>A, p.Arg481Gln (NM_001348040.3, NM_014451.4); c.1427G>A, p.Arg476Gln (NM_001348042.3); and 1 more; short protein forms R521Q, R399Q, R430Q, R486Q, R364Q, R481Q, R516Q, R395Q.
Identifiers: ClinVar variation 263120 (VCV000263120.20), dbSNP rs34218557, ClinGen allele CA4214434.

ClinVar aggregate classification (germline): Benign/Likely benign. Review status: criteria provided, multiple submitters, no conflicts (2 of 4 stars). 8 submissions from 8 submitters: Benign (6); Likely benign (1). 1 of the submissions does not count toward it. Last evaluated 2026-01-31.

Conditions:
Bardet-Biedl syndrome (BBS). Identifiers: Orphanet 110, MedGen C0752166, MONDO:0015229.
Bardet-Biedl syndrome 1 (BBS1). Identifiers: MedGen C2936862, MONDO:0008854, OMIM 209900. Disease mechanism: loss of function.
Bardet-Biedl syndrome 9 (BBS9). Identifiers: Orphanet 110, MedGen C1859567, MONDO:0014437, OMIM 615986.

Allele frequency attached by ClinVar (database versions not stated): 1000 Genomes Project 0.00859; gnomAD 0.00872; 1000 Genomes Project 30x 0.00890; TOPMed 0.01027; ESP Exome Variant Server 0.01169.
gnomAD v4.1: 2,730 of 1,611,742 alleles (0.17%); highest among the groups gnomAD compares: African/African-American, 3.1%; 37 homozygotes.

Submissions (8):

Labcorp Genetics (formerly Invitae), Labcorp
Classification: Benign for Bardet-Biedl syndrome. Last evaluated: 2026-01-31. Review status: criteria provided, single submitter. Criteria: Invitae Variant Classification Sherloc (09022015). Collection method: clinical testing. Allele origin: germline.

Mayo Clinic Laboratories, Mayo Clinic
Classification: Benign. Last evaluated: 2025-03-05. Review status: criteria provided, single submitter. Criteria: ACMG Guidelines, 2015. Collection method: clinical testing. Allele origin: germline. Observed: 1 variant allele.
Comment: BS1, BS2

Blueprint Genetics
Classification: Likely benign. Last evaluated: 2024-11-26. Review status: criteria provided, single submitter. Criteria: ACMG Guidelines, 2015. Collection method: clinical testing. Allele origin: germline.

Illumina Laboratory Services, Illumina
Classification: Benign for Bardet-Biedl syndrome 9. Last evaluated: 2018-01-12. Review status: criteria provided, single submitter. Criteria: ICSL Variant Classification Criteria 13 December 2019. Collection method: clinical testing. Allele origin: germline.
Comment: This variant was observed in the ICSL laboratory as part of a predisposition screen in an ostensibly healthy population. It had not been previously curated by ICSL or reported in the Human Gene Mutation Database (HGMD: prior to June 1st, 2018), and was therefore a candidate for classification through an automated scoring system. Utilizing variant allele frequency, disease prevalence and penetrance estimates, and inheritance mode, an automated score was calculated to assess if this variant is too frequent to cause the disease. Based on the score and internal cut-off values, a variant classified as benign is not then subjected to further curation. The score for this variant resulted in a classification of benign for this disease.

Clinical Genetics DNA and cytogenetics Diagnostics Lab, Erasmus MC, Erasmus Medical Center
Classification: Benign for Bardet-Biedl syndrome 1. Last evaluated: 2017-05-31. Review status: criteria provided, single submitter. Criteria: ACGS Guidelines, 2013. Collection method: clinical testing. Allele origin: germline. Affected: yes. Study: VKGL Data-share Consensus.

Genome Diagnostics Laboratory, University Medical Center Utrecht
Classification: Benign for Bardet-Biedl syndrome 1. Last evaluated: 2014-10-09. Review status: criteria provided, single submitter. Criteria: ACGS Guidelines, 2013. Collection method: clinical testing. Allele origin: germline. Affected: yes. Study: VKGL Data-share Consensus.

PreventionGenetics, part of Exact Sciences
Classification: Benign. Review status: criteria provided, single submitter. Criteria: ACMG Guidelines, 2015. Collection method: clinical testing. Allele origin: germline.

Genome Diagnostics Laboratory, Amsterdam University Medical Center
Classification: Benign for Bardet-Biedl syndrome 1. Last evaluated: 2017-04-19. Review status: no assertion criteria provided. Criteria: ACGS Guidelines, 2013. Collection method: clinical testing. Allele origin: germline. Affected: yes. Study: VKGL Data-share Consensus. Not counted in ClinVar's aggregate classification.